The following is an entry in ClinVar:

NM_000918.4(P4HB):c.224C>T (p.Ser75Phe)

Gene: P4HB (prolyl 4-hydroxylase subunit beta; minus strand). Cytogenetic location: 17q25.3.
Variant type: single nucleotide variant.
Coding change: c.224C>T on transcript NM_000918.4 (MANE Select); coding-DNA position 224, C replaced by T.
Protein change: p.Ser75Phe; replaces serine 75 with phenylalanine.
Molecular consequence: missense variant.
Genome position (GRCh38, 1-based): chr17:81,859,309, G>A on the plus strand (C>T on the coding strand, the complement: P4HB is on the minus strand). VCF-style: chr17-81859309-G-A. GRCh37 (hg19) VCF-style: chr17-79817185-G-A.
Other names: short protein forms S75F.
Identifiers: ClinVar variation 4129874 (VCV004129874.2).

ClinVar aggregate classification (germline): Uncertain significance. Review status: criteria provided, multiple submitters, no conflicts (2 of 4 stars). 2 submissions from 2 submitters: Uncertain significance (2). Last evaluated 2025-08-07.

Conditions:
Inborn genetic diseases. Identifiers: MedGen C0950123, MeSH D030342.

Submissions (2):

Ambry Genetics
Classification: Uncertain significance for Inborn genetic diseases. Last evaluated: 2025-08-07. Review status: criteria provided, single submitter. Criteria: Ambry Variant Classification Scheme 2023. Collection method: clinical testing. Allele origin: germline.

Labcorp Genetics (formerly Invitae), Labcorp
Classification: Uncertain significance. Last evaluated: 2025-03-06. Review status: criteria provided, single submitter. Criteria: Invitae Variant Classification Sherloc (09022015). Collection method: clinical testing. Allele origin: germline.
Comment: This sequence change replaces serine, which is neutral and polar, with phenylalanine, which is neutral and non-polar, at codon 75 of the P4HB protein (p.Ser75Phe). This variant is not present in population databases (gnomAD no frequency). This variant has not been reported in the literature in individuals affected with P4HB-related conditions. An algorithm developed to predict the effect of missense changes on protein structure and function (PolyPhen-2) suggests that this variant is likely to be disruptive. In summary, the available evidence is currently insufficient to determine the role of this variant in disease. Therefore, it has been classified as a Variant of Uncertain Significance.